The following is an entry in ClinVar:

NC_000012.11:g.(?_58186759)_(58186866_?)del

Gene: TSFM (Ts translation elongation factor, mitochondrial; plus strand). Cytogenetic location: 12q14.1.
Variant type: Deletion.
Identifiers: ClinVar variation 1459676 (VCV001459676.5).

ClinVar aggregate classification (germline): Pathogenic (1 of 4 stars; one submission).

Submission:

Labcorp Genetics (formerly Invitae), Labcorp
Classification: Pathogenic. Last evaluated: 2021-08-12. Review status: criteria provided, single submitter. Criteria: Invitae Variant Classification Sherloc (09022015). Collection method: clinical testing. Allele origin: germline.
Comment: This variant is a gross deletion of the genomic region encompassing exon(s) 6 of the TSFM gene. While this deletion is not anticipated to lead to nonsense mediated decay, it is expected to disrupt the C-terminus of the protein. This variant has not been reported in the literature in individuals affected with TSFM-related conditions. This variant disrupts a region of the TSFM protein in which other variant(s) (p.Gln324Argfs*11) have been determined to be pathogenic (Invitae). This suggests that this is a clinically significant region of the protein, and that variants that disrupt it are likely to be disease-causing. For these reasons, this variant has been classified as Pathogenic.